The following is an entry in ClinVar:

NM_201384.3(PLEC):c.3081+6G>A

Gene: PLEC (plectin; minus strand). Cytogenetic location: 8q24.3.
Variant type: single nucleotide variant.
Coding change: c.3081+6G>A on transcript NM_201384.3 (MANE Select); 6 bases into the intron after coding-DNA position 3081, G replaced by A.
Molecular consequence: intron variant.
Genome position (GRCh38, 1-based): chr8:143,929,408, C>T on the plus strand (G>A on the coding strand, the complement: PLEC is on the minus strand). VCF-style: chr8-143929408-C-T. GRCh37 (hg19) VCF-style: chr8-145003576-C-T.
Other names: c.3162+6G>A (NM_000445.5); c.3039+6G>A (NM_201378.4); c.3015+6G>A (NM_201379.3); c.3492+6G>A (NM_201380.4); c.2985+6G>A (NM_201381.3); c.3081+6G>A (NM_201382.4); c.3093+6G>A (NM_201383.3).
Identifiers: ClinVar variation 567258 (VCV000567258.8), dbSNP rs781891922, ClinGen allele CA4927237.
Genomic context (GRCh38, chr8:143,929,408, plus strand): 5'-AAGGAGGGAGGGTGGGAGGAGGGATGGGGAGAGGGATGGGACTGGATGGGGGGGGACGGC[C>T]CCTGCCTGCTGCTCGGCGATGCGCTGGGCACACTCCCGTGCCGGCTCTTTGTCCAGCGGC-3'

ClinVar aggregate classification (germline): Uncertain significance (1 of 4 stars; one submission).

Conditions:
Epidermolysis bullosa simplex, Ogna type (EBS5A). Also called: Pidermolysis bullosa simplex 5A, Ogna type; EPIDERMOLYSIS BULLOSA SIMPLEX 5A, OGNA TYPE. Identifiers: Orphanet 79401, MedGen C0432317, MONDO:0007555, OMIM 131950.
Autosomal recessive limb-girdle muscular dystrophy type 2Q (LGMDR17). Also called: MUSCULAR DYSTROPHY, LIMB-GIRDLE, AUTOSOMAL RECESSIVE 17. Identifiers: Orphanet 254361, MedGen C3150989, MONDO:0013390, OMIM 613723.
Epidermolysis bullosa simplex 5C, with pyloric atresia (EBS5C). Also called: PLEC-Related Epidermolysis Bullosa with Pyloric Atresia; Epidermolysis bullosa simplex with pyloric atresia; PLEC1-Related Epidermolysis Bullosa with Pyloric Atresia. Identifiers: Orphanet 158684, MedGen C2677349, MONDO:0012807, OMIM 612138.
Epidermolysis bullosa simplex 5B, with muscular dystrophy (EBS5B). Also called: EPIDERMOLYSIS BULLOSA SIMPLEX AND LIMB-GIRDLE MUSCULAR DYSTROPHY; Epidermolysis bullosa simplex with muscular dystrophy. Identifiers: Orphanet 257, MedGen C2931072, MONDO:0009181, OMIM 226670.
Epidermolysis bullosa simplex with nail dystrophy (EBS5D). Identifiers: MedGen C4225309, MONDO:0014661, OMIM 616487.

Allele frequency attached by ClinVar (database versions not stated): ExAC below 0.00001; gnomAD 0.00001; gnomAD exomes 0.00002.
gnomAD v4.1: 6 of 1,561,818 alleles (0.00038%); highest among the groups gnomAD compares: Admixed American, 0.0076%; no homozygotes.

Submission:

Labcorp Genetics (formerly Invitae), Labcorp
Classification: Uncertain significance for Autosomal recessive limb-girdle muscular dystrophy type 2Q; Epidermolysis bullosa simplex, Ogna type; Epidermolysis bullosa simplex with nail dystrophy; Epidermolysis bullosa simplex 5C, with pyloric atresia; Epidermolysis bullosa simplex 5B, with muscular dystrophy. Last evaluated: 2023-10-05. Review status: criteria provided, single submitter. Criteria: Invitae Variant Classification Sherloc (09022015). Collection method: clinical testing. Allele origin: germline.
Comment: This sequence change falls in intron 25 of the PLEC gene. It does not directly change the encoded amino acid sequence of the PLEC protein. It affects a nucleotide within the consensus splice site. This variant is present in population databases (rs781891922, gnomAD 0.01%). This variant has not been reported in the literature in individuals affected with PLEC-related conditions. ClinVar contains an entry for this variant (Variation ID: 567258). Variants that disrupt the consensus splice site are a relatively common cause of aberrant splicing (PMID: 17576681, 9536098). Algorithms developed to predict the effect of sequence changes on RNA splicing suggest that this variant is not likely to affect RNA splicing. In summary, the available evidence is currently insufficient to determine the role of this variant in disease. Therefore, it has been classified as a Variant of Uncertain Significance.

Literature cited by the submitters: PubMed 17576681; PubMed 9536098.